The following is an entry in ClinVar:

ClinVar aggregate classification (germline): Uncertain significance. Review status: criteria provided, multiple submitters, no conflicts (2 of 4 stars). 2 submissions from 2 submitters: Uncertain significance (2). Last evaluated 2024-05-15.

Conditions:
Kabuki syndrome. Also called: Kabuki make-up syndrome; NIIKAWA-KUROKI SYNDROME. Identifiers: Orphanet 2322, MedGen C0796004, MONDO:0016512.
Inborn genetic diseases. Identifiers: MedGen C0950123, MeSH D030342.

Allele frequency attached by ClinVar (database versions not stated): gnomAD exomes below 0.00001; gnomAD 0.00001; TOPMed 0.00001.
gnomAD v4.1: 3 of 1,612,928 alleles (0.00019%); highest among the groups gnomAD compares: Non-Finnish European, 0.00025%; no homozygotes.

Submissions (2):

Ambry Genetics
Classification: Uncertain significance for Inborn genetic diseases. Last evaluated: 2024-05-15. Review status: criteria provided, single submitter. Criteria: Ambry Variant Classification Scheme 2023. Collection method: clinical testing. Allele origin: germline.

Labcorp Genetics (formerly Invitae), Labcorp
Classification: Uncertain significance for Kabuki syndrome. Last evaluated: 2022-02-14. Review status: criteria provided, single submitter. Criteria: Invitae Variant Classification Sherloc (09022015). Collection method: clinical testing. Allele origin: germline.
Comment: This sequence change replaces asparagine, which is neutral and polar, with serine, which is neutral and polar, at codon 5051 of the KMT2D protein (p.Asn5051Ser). This variant is not present in population databases (gnomAD no frequency). This variant has not been reported in the literature in individuals affected with KMT2D-related conditions. Algorithms developed to predict the effect of missense changes on protein structure and function are either unavailable or do not agree on the potential impact of this missense change (SIFT: "Tolerated"; PolyPhen-2: "Not Available"; Align-GVGD: "Class C0"). In summary, the available evidence is currently insufficient to determine the role of this variant in disease. Therefore, it has been classified as a Variant of Uncertain Significance.

NM_003482.4(KMT2D):c.15152A>G (p.Asn5051Ser)

Gene: KMT2D (lysine methyltransferase 2D; minus strand). Cytogenetic location: 12q13.12.
Variant type: single nucleotide variant.
Coding change: c.15152A>G on transcript NM_003482.4 (MANE Select); coding-DNA position 15152, A replaced by G.
Protein change: p.Asn5051Ser; replaces asparagine 5051 with serine.
Molecular consequence: missense variant.
Genome position (GRCh38, 1-based): chr12:49,026,814, T>C on the plus strand (A>G on the coding strand, the complement: KMT2D is on the minus strand). VCF-style: chr12-49026814-T-C. GRCh37 (hg19) VCF-style: chr12-49420597-T-C.
Other names: short protein forms N5051S.
Identifiers: ClinVar variation 1977788 (VCV001977788.6), dbSNP rs1157766570, ClinGen allele CA384689542.